The following is an entry in ClinVar:

NM_144997.7(FLCN):c.456C>G (p.Phe152Leu)

Gene: FLCN (folliculin; minus strand). Cytogenetic location: 17p11.2.
Variant type: single nucleotide variant.
Coding change: c.456C>G on transcript NM_144997.7 (MANE Select); coding-DNA position 456, C replaced by G.
Protein change: p.Phe152Leu; replaces phenylalanine 152 with leucine.
Molecular consequence: missense variant.
Genome position (GRCh38, 1-based): chr17:17,224,084, G>C on the plus strand (C>G on the coding strand, the complement: FLCN is on the minus strand). VCF-style: chr17-17224084-G-C. GRCh37 (hg19) VCF-style: chr17-17127398-G-C.
Other names: c.510C>G, p.Phe170Leu (NM_001353229.2); c.456C>G, p.Phe152Leu (NM_001353230.2, NM_001353231.2, NM_144606.7); short protein forms F152L, F170L.
Identifiers: ClinVar variation 3694330 (VCV003694330.3).

ClinVar aggregate classification (germline): Uncertain significance. Review status: criteria provided, multiple submitters, no conflicts (2 of 4 stars). 2 submissions from 2 submitters: Uncertain significance (2). Last evaluated 2025-08-20.

Conditions:
Hereditary cancer-predisposing syndrome. Also called: Tumor predisposition; Hereditary neoplastic syndrome; Hereditary Cancer Syndrome; Neoplastic Syndromes, Hereditary. Identifiers: Orphanet 140162, MedGen C0027672, MeSH D009386, MONDO:0015356.
Birt-Hogg-Dube syndrome. Also called: Birt Hogg Dubé syndrome. Identifiers: Orphanet 122, MedGen C0346010, MONDO:0800444.

Submissions (2):

Ambry Genetics
Classification: Uncertain significance for Hereditary cancer-predisposing syndrome. Last evaluated: 2025-08-20. Review status: criteria provided, single submitter. Criteria: Ambry Variant Classification Scheme 2023. Collection method: clinical testing. Allele origin: germline.
Comment: The p.F152L variant (also known as c.456C>G), located in coding exon 3 of the FLCN gene, results from a C to G substitution at nucleotide position 456. The phenylalanine at codon 152 is replaced by leucine, an amino acid with highly similar properties. This amino acid position is highly conserved in available vertebrate species. In addition, this alteration is predicted to be deleterious by in silico analysis. Based on the available evidence, the clinical significance of this variant remains unclear.

Labcorp Genetics (formerly Invitae), Labcorp
Classification: Uncertain significance for Birt-Hogg-Dube syndrome. Last evaluated: 2024-12-10. Review status: criteria provided, single submitter. Criteria: Invitae Variant Classification Sherloc (09022015). Collection method: clinical testing. Allele origin: germline.
Comment: This sequence change replaces phenylalanine, which is neutral and non-polar, with leucine, which is neutral and non-polar, at codon 152 of the FLCN protein (p.Phe152Leu). This variant is not present in population databases (gnomAD no frequency). This variant has not been reported in the literature in individuals affected with FLCN-related conditions. Invitae Evidence Modeling of protein sequence and biophysical properties (such as structural, functional, and spatial information, amino acid conservation, physicochemical variation, residue mobility, and thermodynamic stability) indicates that this missense variant is not expected to disrupt FLCN protein function with a negative predictive value of 80%. In summary, the available evidence is currently insufficient to determine the role of this variant in disease. Therefore, it has been classified as a Variant of Uncertain Significance.